The following is an entry in ClinVar:

ClinVar aggregate classification (germline): Uncertain significance (1 of 4 stars; one submission).

Conditions:
Inborn genetic diseases. Identifiers: MedGen C0950123, MeSH D030342.

gnomAD v4.1: 2 of 1,612,338 alleles (0.00012%); highest among the groups gnomAD compares: Non-Finnish European, 0.00017%; no homozygotes.

Submission:

Ambry Genetics
Classification: Uncertain significance for Inborn genetic diseases. Last evaluated: 2025-04-17. Review status: criteria provided, single submitter. Criteria: Ambry Variant Classification Scheme 2023. Collection method: clinical testing. Allele origin: germline.
Comment: The p.C235Y variant (also known as c.704G>A), located in coding exon 6 of the G6PC3 gene, results from a G to A substitution at nucleotide position 704. The cysteine at codon 235 is replaced by tyrosine, an amino acid with highly dissimilar properties. This amino acid position is conserved. In addition, this alteration is predicted to be deleterious by in silico analysis. Based on the available evidence, the clinical significance of this variant remains unclear.

NM_138387.4(G6PC3):c.704G>A (p.Cys235Tyr)

Gene: G6PC3 (glucose-6-phosphatase catalytic subunit 3; plus strand). Cytogenetic location: 17q21.31.
Variant type: single nucleotide variant.
Coding change: c.704G>A on transcript NM_138387.4 (MANE Select); coding-DNA position 704, G replaced by A.
Protein change: p.Cys235Tyr; replaces cysteine 235 with tyrosine.
Molecular consequence: missense variant. On other transcripts: synonymous variant (1).
Genome position (GRCh38, 1-based): chr17:44,075,706, G>A. VCF-style: chr17-44075706-G-A. GRCh37 (hg19) VCF-style: chr17-42153074-G-A.
Other names: c.585G>A, p.Val195= (NM_001319945.2); c.359G>A, p.Cys120Tyr (NM_001384165.1, NM_001384166.1, NM_001384167.1 and 1 more transcripts); short protein forms C120Y, C235Y.
Identifiers: ClinVar variation 4027587 (VCV004027587.1).